The following is an entry in ClinVar:

NM_000302.4(PLOD1):c.920G>A (p.Arg307Gln)

Gene: PLOD1 (procollagen-lysine,2-oxoglutarate 5-dioxygenase 1; plus strand). Cytogenetic location: 1p36.22.
Variant type: single nucleotide variant.
Coding change: c.920G>A on transcript NM_000302.4 (MANE Select); coding-DNA position 920, G replaced by A.
Protein change: p.Arg307Gln; replaces arginine 307 with glutamine.
Molecular consequence: missense variant.
Genome position (GRCh38, 1-based): chr1:11,958,592, G>A. VCF-style: chr1-11958592-G-A. GRCh37 (hg19) VCF-style: chr1-12018649-G-A.
Other names: c.1061G>A, p.Arg354Gln (NM_001316320.2); short protein forms R307Q, R354Q.
Identifiers: ClinVar variation 459835 (VCV000459835.5), dbSNP rs960778465, ClinGen allele CA18003703.

ClinVar aggregate classification (germline): Uncertain significance. Review status: criteria provided, multiple submitters, no conflicts (2 of 4 stars). 2 submissions from 2 submitters: Uncertain significance (2). Last evaluated 2025-03-31.

Conditions:
Familial thoracic aortic aneurysm and aortic dissection (TAAD). Also called: Thoracic aortic aneurysms and dissections. Identifiers: Orphanet 91387, MedGen C4707243, MONDO:0019625.
Ehlers-Danlos syndrome, kyphoscoliotic type 1 (EDSKSCL1). Also called: EHLERS-DANLOS SYNDROME, TYPE VIA; Ehlers-Danlos syndrome, hydroxylysine-deficient; EHLERS-DANLOS SYNDROME, OCULAR-SCOLIOTIC TYPE; PLOD1-Related Kyphoscoliotic Ehlers-Danlos Syndrome. Identifiers: Orphanet 1900, MedGen C0268342, MONDO:0016002, OMIM 225400. Disease mechanism: loss of function.

Allele frequency attached by ClinVar (database versions not stated): gnomAD 0.00001; gnomAD exomes 0.00001; TOPMed 0.00001.
gnomAD v4.1: 20 of 1,613,940 alleles (0.0012%); highest among the groups gnomAD compares: Non-Finnish European, 0.0017%; no homozygotes.

Submissions (2):

Ambry Genetics
Classification: Uncertain significance for Familial thoracic aortic aneurysm and aortic dissection. Last evaluated: 2025-03-31. Review status: criteria provided, single submitter. Criteria: Ambry Variant Classification Scheme 2023. Collection method: clinical testing. Allele origin: germline.
Comment: The p.R307Q variant (also known as c.920G>A), located in coding exon 9 of the PLOD1 gene, results from a G to A substitution at nucleotide position 920. The arginine at codon 307 is replaced by glutamine, an amino acid with highly similar properties. This amino acid position is conserved. In addition, the in silico prediction for this alteration is inconclusive. Based on the available evidence, the clinical significance of this variant remains unclear.

Labcorp Genetics (formerly Invitae), Labcorp
Classification: Uncertain significance for Ehlers-Danlos syndrome, kyphoscoliotic type 1. Last evaluated: 2021-12-19. Review status: criteria provided, single submitter. Criteria: Invitae Variant Classification Sherloc (09022015). Collection method: clinical testing. Allele origin: germline.
Comment: This sequence change replaces arginine, which is basic and polar, with glutamine, which is neutral and polar, at codon 307 of the PLOD1 protein (p.Arg307Gln). This variant is not present in population databases (gnomAD no frequency). This variant has not been reported in the literature in individuals affected with PLOD1-related conditions. ClinVar contains an entry for this variant (Variation ID: 459835). Algorithms developed to predict the effect of missense changes on protein structure and function are either unavailable or do not agree on the potential impact of this missense change (SIFT: "Tolerated"; PolyPhen-2: "Possibly Damaging"; Align-GVGD: "Class C0"). Algorithms developed to predict the effect of sequence changes on RNA splicing suggest that this variant may create or strengthen a splice site. In summary, the available evidence is currently insufficient to determine the role of this variant in disease. Therefore, it has been classified as a Variant of Uncertain Significance.